The following is an entry in ClinVar:

NM_016203.4(PRKAG2):c.265A>G (p.Met89Val)

Gene: PRKAG2 (protein kinase AMP-activated non-catalytic subunit gamma 2; minus strand). Cytogenetic location: 7q36.1.
Variant type: single nucleotide variant.
Coding change: c.265A>G on transcript NM_016203.4 (MANE Select); coding-DNA position 265, A replaced by G.
Protein change: p.Met89Val; replaces methionine 89 with valine.
Molecular consequence: missense variant.
Genome position (GRCh38, 1-based): chr7:151,781,353, T>C on the plus strand (A>G on the coding strand, the complement: PRKAG2 is on the minus strand). VCF-style: chr7-151781353-T-C. GRCh37 (hg19) VCF-style: chr7-151478439-T-C.
Other names: c.133A>G, p.Met45Val (NM_001040633.2); c.265A>G (NM_016203.3); short protein forms M45V, M89V.
Identifiers: ClinVar variation 921878 (VCV000921878.5), dbSNP rs1471914210, ClinGen allele CA370069794.

ClinVar aggregate classification (germline): Likely benign. Review status: criteria provided, multiple submitters, no conflicts (2 of 4 stars). 3 submissions from 3 submitters: Likely benign (3). Last evaluated 2024-10-28.

Conditions:
Cardiomyopathy (CMYO). Also called: Cardiomyopathies. Identifiers: Orphanet 167848, MedGen C0878544, MONDO:0004994, HP:0001638. Inheritance: Various modes of inheritance.
Cardiovascular phenotype. Identifiers: MedGen CN230736.
Hypertrophic cardiomyopathy. Also called: HYPERTROPHIC MYOCARDIOPATHY. Identifiers: Orphanet 217569, MedGen C0007194, MeSH D002312, MONDO:0005045, HP:0001639.

Allele frequency attached by ClinVar (database versions not stated): gnomAD exomes below 0.00001; gnomAD 0.00001; TOPMed 0.00001.
gnomAD v4.1: 3 of 1,613,422 alleles (0.00019%); highest among the groups gnomAD compares: South Asian, 0.0011%; no homozygotes.

Submissions (3):

Ambry Genetics
Classification: Likely benign for Cardiovascular phenotype. Last evaluated: 2024-10-28. Review status: criteria provided, single submitter. Criteria: Ambry Variant Classification Scheme 2023. Collection method: clinical testing. Allele origin: germline.

Color Diagnostics, LLC DBA Color Health
Classification: Likely benign for Cardiomyopathy. Last evaluated: 2024-09-06. Review status: criteria provided, single submitter. Criteria: ACMG Guidelines, 2015. Collection method: clinical testing. Allele origin: germline.

All of Us Research Program, National Institutes of Health
Classification: Likely benign for Hypertrophic cardiomyopathy. Last evaluated: 2023-04-03. Review status: criteria provided, single submitter. Criteria: ACMG Guidelines, 2015. Collection method: clinical testing. Allele origin: germline. Inheritance: Autosomal dominant inheritance. Observed: 1 variant allele, 1 heterozygote.
Comment: This study involves interpretation of variants in research participants for the purpose of population health screening. Participant phenotype was not available at the time of variant classification. Additional details can be found in publication PMID: 35346344, PMCID: PMC8962531